The following is an entry in ClinVar:

ClinVar aggregate classification (germline): Pathogenic (1 of 4 stars; one submission).

Submission:

Labcorp Genetics (formerly Invitae), Labcorp
Classification: Pathogenic. Last evaluated: 2023-02-27. Review status: criteria provided, single submitter. Criteria: Invitae Variant Classification Sherloc (09022015). Collection method: clinical testing. Allele origin: germline.
Comment: This sequence change creates a premature translational stop signal (p.Leu420Valfs*2) in the CARMIL2 gene. It is expected to result in an absent or disrupted protein product. Loss-of-function variants in CARMIL2 are known to be pathogenic (PMID: 27647349, 28112205). This variant is not present in population databases (gnomAD no frequency). This variant has not been reported in the literature in individuals affected with CARMIL2-related conditions. Algorithms developed to predict the effect of sequence changes on RNA splicing suggest that this variant may disrupt the consensus splice site. For these reasons, this variant has been classified as Pathogenic.

Literature cited by the submitters: PubMed 27647349; PubMed 28112205.

NM_001013838.3(CARMIL2):c.1232_1257dup (p.Leu420delinsValTer)

Gene: CARMIL2 (capping protein regulator and myosin 1 linker 2; plus strand). Cytogenetic location: 16q22.1.
Variant type: Duplication.
Coding change: c.1232_1257dup on transcript NM_001013838.3 (MANE Select); coding-DNA positions 1232 to 1257, 26 bases duplicated (GTGTAGCCAACAGCCTCCCCCCGCAG).
Protein change: p.Leu420delinsValTer.
Molecular consequence: nonsense. On other transcripts: splice acceptor variant (1).
Genome position (GRCh38, 1-based): chr16:67,648,212-67,648,237, GTGTAGCCAACAGCCTCCCCCCGCAG duplicated; duplicating any 26 consecutive bases within chr16:67,648,211-67,648,237 gives the same sequence; the c. name uses the placement nearest the transcript's 3' end. VCF-style (leftmost placement, unchanged base first): chr16-67648210-G-GGGTGTAGCCAACAGCCTCCCCCCGCA. GRCh37 (hg19) VCF-style: chr16-67682113-G-GGGTGTAGCCAACAGCCTCCCCCCGCA.
Other names: c.1150-26_1150-1dup (NM_001317026.3).
Identifiers: ClinVar variation 2987270 (VCV002987270.3), dbSNP rs2543545691, ClinGen allele CA978431453.